The following is an entry in ClinVar:

NM_015160.3(PMPCA):c.1357G>A (p.Val453Met)

Gene: PMPCA (peptidase, mitochondrial processing subunit alpha; plus strand). Cytogenetic location: 9q34.3.
Variant type: single nucleotide variant.
Coding change: c.1357G>A on transcript NM_015160.3 (MANE Select); coding-DNA position 1357, G replaced by A.
Protein change: p.Val453Met; replaces valine 453 with methionine.
Molecular consequence: missense variant.
Genome position (GRCh38, 1-based): chr9:136,421,925, G>A. VCF-style: chr9-136421925-G-A. GRCh37 (hg19) VCF-style: chr9-139316377-G-A.
Other names: c.1357G>A (NM_015160.1); c.964G>A, p.Val322Met (NM_001282944.2); c.1057G>A, p.Val353Met (NM_001282946.2); short protein forms V322M, V453M, V353M.
Identifiers: ClinVar variation 3694094 (VCV003694094.3).
Genomic context (GRCh38, chr9:136,421,925, plus strand): 5'-TCAATGCTCATGATGAACCTGGAATCCAGGCCTGTGATCTTCGAGGATGTGGGGAGGCAG[G>A]TGCTGGCCACTCGCTCCAGAAAGCTGCCGCACGAGCTGTGCACGCTCATCCGTGAGTACC-3'
Protein context (NP_055975.1, residues 443-463): PVIFEDVGRQ[Val453Met]LATRSRKLPH

ClinVar aggregate classification (germline): Uncertain significance. Review status: criteria provided, multiple submitters, no conflicts (2 of 4 stars). 2 submissions from 2 submitters: Uncertain significance (2). Last evaluated 2025-02-25.

Conditions:
Inborn genetic diseases. Identifiers: MedGen C0950123, MeSH D030342.

gnomAD v4.1: 3 of 1,612,476 alleles (0.00019%); highest among the groups gnomAD compares: Admixed American, 0.0017%; no homozygotes.

Submissions (2):

Ambry Genetics
Classification: Uncertain significance for Inborn genetic diseases. Last evaluated: 2025-02-25. Review status: criteria provided, single submitter. Criteria: Ambry Variant Classification Scheme 2023. Collection method: clinical testing. Allele origin: germline.

Labcorp Genetics (formerly Invitae), Labcorp
Classification: Uncertain significance. Last evaluated: 2024-03-24. Review status: criteria provided, single submitter. Criteria: Invitae Variant Classification Sherloc (09022015). Collection method: clinical testing. Allele origin: germline.
Comment: This sequence change replaces valine, which is neutral and non-polar, with methionine, which is neutral and non-polar, at codon 453 of the PMPCA protein (p.Val453Met). This variant is present in population databases (no rsID available, gnomAD 0.0009%). This variant has not been reported in the literature in individuals affected with PMPCA-related conditions. Advanced modeling of protein sequence and biophysical properties (such as structural, functional, and spatial information, amino acid conservation, physicochemical variation, residue mobility, and thermodynamic stability) has been performed at Invitae for this missense variant, however the output from this modeling did not meet the statistical confidence thresholds required to predict the impact of this variant on PMPCA protein function. In summary, the available evidence is currently insufficient to determine the role of this variant in disease. Therefore, it has been classified as a Variant of Uncertain Significance.